The following is an entry in ClinVar:

NM_002439.5(MSH3):c.2396T>G (p.Leu799Arg)

Gene: MSH3 (mutS homolog 3; plus strand). Cytogenetic location: 5q14.1.
Variant type: single nucleotide variant.
Coding change: c.2396T>G on transcript NM_002439.5 (MANE Select); coding-DNA position 2396, T replaced by G.
Protein change: p.Leu799Arg; replaces leucine 799 with arginine.
Molecular consequence: missense variant.
Genome position (GRCh38, 1-based): chr5:80,778,797, T>G. VCF-style: chr5-80778797-T-G. GRCh37 (hg19) VCF-style: chr5-80074616-T-G.
Other names: short protein forms L799R.
Identifiers: ClinVar variation 640292 (VCV000640292.12), dbSNP rs555670202, ClinGen allele CA3328241.
Genomic context (GRCh38, chr5:80,778,797, plus strand): 5'-GCTTTCACTCTCCTTTTATTGTAGAAAATTACAGACATCTGAATCAGCTCCGGGAGCAGC[T>G]AGTCCTTGACTGCAGTGCTGAATGGCTTGATTTTCTAGAGTGAGTTTACAATGAAAAAAT-3'
Protein context (NP_002430.3, residues 789-809): YRHLNQLREQ[Leu799Arg]VLDCSAEWLD

ClinVar aggregate classification (germline): Uncertain significance. Review status: criteria provided, multiple submitters, no conflicts (2 of 4 stars). 5 submissions from 4 submitters: Uncertain significance (5). Last evaluated 2025-12-30.

Conditions:
Familial adenomatous polyposis 4 (FAP4). Also called: MSH3-related attenuated familial adenomatous polyposis. Identifiers: Orphanet 480536, MedGen C4310719, MONDO:0044300, OMIM 617100.
Hereditary cancer-predisposing syndrome. Also called: Neoplastic Syndromes, Hereditary; Tumor predisposition; Hereditary Cancer Syndrome; Hereditary neoplastic syndrome. Identifiers: Orphanet 140162, MedGen C0027672, MeSH D009386, MONDO:0015356.
Endometrial carcinoma. Also called: Endometrial carcinoma, somatic. Identifiers: MedGen C0476089, MONDO:0002447, OMIM 608089, HP:0012114.

Allele frequency attached by ClinVar (database versions not stated): TOPMed below 0.00001; gnomAD 0.00001 and 0.00003; gnomAD exomes 0.00001 and 0.00003; ExAC 0.00007; 1000 Genomes Project 30x 0.00062; 1000 Genomes Project 0.00080.
gnomAD v4.1: 19 of 1,610,584 alleles (0.0012%); highest among the groups gnomAD compares: South Asian, 0.02%; 1 homozygote.

Submissions (5):

Labcorp Genetics (formerly Invitae), Labcorp
Classification: Uncertain significance. Last evaluated: 2025-12-30. Review status: criteria provided, single submitter. Criteria: Invitae Variant Classification Sherloc (09022015). Collection method: clinical testing. Allele origin: germline.
Comment: This sequence change replaces leucine, which is neutral and non-polar, with arginine, which is basic and polar, at codon 799 of the MSH3 protein (p.Leu799Arg). This variant is present in population databases (rs555670202, gnomAD 0.02%). This variant has not been reported in the literature in individuals affected with MSH3-related conditions. ClinVar contains an entry for this variant (Variation ID: 640292). An algorithm developed to predict the effect of missense changes on protein structure and function (PolyPhen-2) suggests that this variant is likely to be disruptive. In summary, the available evidence is currently insufficient to determine the role of this variant in disease. Therefore, it has been classified as a Variant of Uncertain Significance.

Baylor Genetics
Classification: Uncertain significance for Endometrial carcinoma. Last evaluated: 2024-01-08. Review status: criteria provided, single submitter. Criteria: ACMG Guidelines, 2015. Collection method: clinical testing. Allele origin: unknown.

Ambry Genetics
Classification: Uncertain significance for Hereditary cancer-predisposing syndrome. Last evaluated: 2023-12-04. Review status: criteria provided, single submitter. Criteria: Ambry Variant Classification Scheme 2023. Collection method: clinical testing. Allele origin: germline.
Comment: The p.L799R variant (also known as c.2396T>G), located in coding exon 17 of the MSH3 gene, results from a T to G substitution at nucleotide position 2396. The leucine at codon 799 is replaced by arginine, an amino acid with dissimilar properties. This amino acid position is conserved. In addition, this alteration is predicted to be deleterious by in silico analysis. Since supporting evidence is limited at this time, the clinical significance of this alteration remains unclear.

Neuberg Centre For Genomic Medicine, NCGM
Classification: Uncertain significance for Endometrial carcinoma. Review status: criteria provided, single submitter. Criteria: ACMG Guidelines, 2015. Collection method: clinical testing. Allele origin: germline. Inheritance: Autosomal dominant inheritance. Affected: yes.
Comment: The missense variant c.2396T>G (p.Leu799Arg) in MSH3 gene has not been reported previously as a pathogenic variant nor as a benign variant, to our knowledge. This variant has been reported to the ClinVar database as Uncertain Significance. The p.Leu799Arg variant is novel (not in any individuals) in 1000 Genomes and allele frequency of 0.002787% is reported in gnomAD. The amino acid Leu at position 799 is changed to a Arg changing protein sequence and it might alter its composition and physico-chemical properties. The amino acid change p.Leu799Arg in MSH3 is predicted as conserved by GERP++ and PhyloP across 100 vertebrates. For these reasons, this variant has been classified as Uncertain Significance.

Neuberg Centre For Genomic Medicine, NCGM
Classification: Uncertain significance for Familial adenomatous polyposis 4. Review status: criteria provided, single submitter. Criteria: ACMG Guidelines, 2015. Collection method: clinical testing. Allele origin: germline. Inheritance: Autosomal recessive inheritance. Affected: yes.
Comment: The missense variant c.2396T>G (p.Leu799Arg) in MSH3 has been submitted to ClinVar as a Variant of Uncertain Significance. This p.Leu799Arg variant has allele frequency of 0.002787% in the gnomAD and novel (not in any individuals) in 1000 genome database. The amino acid Leu at position 799 is changed to a Arg changing protein sequence and it might alter its composition and physico-chemical properties. The amino acid change p.Leu799Arg in MSH3 is predicted as conserved by GERP++ and PhyloP across 100 vertebrates. For these reasons, this variant has been classified as Uncertain Significance (VUS).